The following is an entry in ClinVar:

ClinVar aggregate classification (germline): Uncertain significance (1 of 4 stars; one submission).

Submission:

GeneDx
Classification: Uncertain significance. Last evaluated: 2022-10-13. Review status: criteria provided, single submitter. Criteria: GeneDx Variant Classification Process June 2021. Collection method: clinical testing. Allele origin: germline. Affected: yes.
Comment: Has not been previously published as pathogenic or benign to our knowledge; Not observed at significant frequency in large population cohorts (gnomAD); In silico analysis supports that this missense variant has a deleterious effect on protein structure/function

NM_001256071.3(RNF213):c.13631A>T (p.His4544Leu)

Genes: RNF213 (ring finger protein 213; plus strand), RNF213-AS1 (RNF213 antisense RNA 1; minus strand). Cytogenetic location: 17q25.3.
Variant type: single nucleotide variant.
Coding change: c.13631A>T on transcript NM_001256071.3 (MANE Select); coding-DNA position 13631, A replaced by T.
Protein change: p.His4544Leu; replaces histidine 4544 with leucine.
Molecular consequence: missense variant.
Genome position (GRCh38, 1-based): chr17:80,379,705, A>T. VCF-style: chr17-80379705-A-T. GRCh37 (hg19) VCF-style: chr17-78353505-A-T.
Other names: c.13778A>T, p.His4593Leu (NM_001410195.1, NM_020914.5); short protein forms H4544L, H4593L.
Identifiers: ClinVar variation 2499366 (VCV002499366.1), dbSNP rs2511537345, ClinGen allele CA401376303.